The following is an entry in ClinVar:

NM_000038.6(APC):c.6463G>A (p.Glu2155Lys)

Gene: APC (APC regulator of Wnt signaling pathway; plus strand). Cytogenetic location: 5q22.2.
Variant type: single nucleotide variant.
Coding change: c.6463G>A on transcript NM_000038.6 (MANE Select); coding-DNA position 6463, G replaced by A.
Protein change: p.Glu2155Lys; replaces glutamic acid 2155 with lysine.
Molecular consequence: missense variant.
Genome position (GRCh38, 1-based): chr5:112,842,057, G>A. VCF-style: chr5-112842057-G-A. GRCh37 (hg19) VCF-style: chr5-112177754-G-A.
Other names: c.6463G>A, p.Glu2155Lys (NM_001127510.3, NM_001354895.2); c.6409G>A, p.Glu2137Lys (NM_001127511.3); c.6517G>A, p.Glu2173Lys (NM_001354896.2); c.6493G>A, p.Glu2165Lys (NM_001354897.2); c.6388G>A, p.Glu2130Lys (NM_001354898.2); c.6379G>A, p.Glu2127Lys (NM_001354899.2); c.6340G>A, p.Glu2114Lys (NM_001354900.2); c.6286G>A, p.Glu2096Lys (NM_001354901.2); and 5 more; short protein forms E2155K, E2137K, E2173K, E2165K, E2054K, E2064K, E2096K, E2114K.
Identifiers: ClinVar variation 470047 (VCV000470047.13), dbSNP rs774440273, ClinGen allele CA044896.

ClinVar aggregate classification (germline): Uncertain significance. Review status: criteria provided, multiple submitters, no conflicts (2 of 4 stars). 2 submissions from 2 submitters: Uncertain significance (2). Last evaluated 2025-09-20.

Conditions:
Familial adenomatous polyposis 1 (FAP1). Also called: POLYPOSIS, ADENOMATOUS INTESTINAL; FAMILIAL ADENOMATOUS POLYPOSIS 1, ATTENUATED. Identifiers: MedGen C2713442, MONDO:0021056, OMIM 175100. Disease mechanism: loss of function.
Hereditary cancer-predisposing syndrome. Also called: Hereditary neoplastic syndrome; Neoplastic Syndromes, Hereditary; Tumor predisposition; Hereditary Cancer Syndrome. Identifiers: Orphanet 140162, MedGen C0027672, MeSH D009386, MONDO:0015356.

Allele frequency attached by ClinVar (database versions not stated): gnomAD exomes below 0.00001 and 0.00001; ExAC 0.00001.
gnomAD v4.1: 3 of 1,612,802 alleles (0.00019%); highest among the groups gnomAD compares: South Asian, 0.0011%; no homozygotes.

Submissions (2):

Ambry Genetics
Classification: Uncertain significance for Hereditary cancer-predisposing syndrome. Last evaluated: 2025-09-20. Review status: criteria provided, single submitter. Criteria: Ambry Variant Classification Scheme 2023. Collection method: clinical testing. Allele origin: germline.
Comment: The p.E2155K variant (also known as c.6463G>A), located in coding exon 15 of the APC gene, results from a G to A substitution at nucleotide position 6463. The glutamic acid at codon 2155 is replaced by lysine, an amino acid with similar properties. This amino acid position is well conserved in available vertebrate species. In addition, in silico predictors for this gene do not accurately predict pathogenicity. Since supporting evidence is limited at this time, the clinical significance of this alteration remains unclear.

Labcorp Genetics (formerly Invitae), Labcorp
Classification: Uncertain significance for Familial adenomatous polyposis 1. Last evaluated: 2025-04-24. Review status: criteria provided, single submitter. Criteria: Invitae Variant Classification Sherloc (09022015). Collection method: clinical testing. Allele origin: germline.
Comment: This sequence change replaces glutamic acid, which is acidic and polar, with lysine, which is basic and polar, at codon 2155 of the APC protein (p.Glu2155Lys). This variant is present in population databases (rs774440273, gnomAD 0.0009%). This variant has not been reported in the literature in individuals affected with APC-related conditions. ClinVar contains an entry for this variant (Variation ID: 470047). Invitae Evidence Modeling of protein sequence and biophysical properties (such as structural, functional, and spatial information, amino acid conservation, physicochemical variation, residue mobility, and thermodynamic stability) indicates that this missense variant is not expected to disrupt APC protein function with a negative predictive value of 95%. In summary, the available evidence is currently insufficient to determine the role of this variant in disease. Therefore, it has been classified as a Variant of Uncertain Significance.